The following is an entry in ClinVar:

ClinVar aggregate classification (germline): Uncertain significance (1 of 4 stars; one submission).

Conditions:
Fanconi anemia (FA). Also called: Fanconi's anemia. Identifiers: Orphanet 84, MedGen C0015625, MeSH D005199, MONDO:0019391.

Submission:

Labcorp Genetics (formerly Invitae), Labcorp
Classification: Uncertain significance for Fanconi anemia. Last evaluated: 2021-10-07. Review status: criteria provided, single submitter. Criteria: Invitae Variant Classification Sherloc (09022015). Collection method: clinical testing. Allele origin: germline.
Comment: Variants that disrupt the consensus splice site are a relatively common cause of aberrant splicing (PMID: 17576681, 9536098). Algorithms developed to predict the effect of sequence changes on RNA splicing suggest that this variant may disrupt the consensus splice site. In summary, the available evidence is currently insufficient to determine the role of this variant in disease. Therefore, it has been classified as a Variant of Uncertain Significance. Algorithms developed to predict the effect of missense changes on protein structure and function (SIFT, PolyPhen-2, Align-GVGD) all suggest that this variant is likely to be tolerated. This variant has not been reported in the literature in individuals affected with FANCA-related conditions. This variant is not present in population databases (ExAC no frequency). This sequence change replaces glutamic acid with aspartic acid at codon 1420 of the FANCA protein (p.Glu1420Asp). The glutamic acid residue is moderately conserved and there is a small physicochemical difference between glutamic acid and aspartic acid. This variant also falls at the last nucleotide of exon 42, which is part of the consensus splice site for this exon.

Literature cited by the submitters: PubMed 17576681; PubMed 9536098.

NM_000135.4(FANCA):c.4260G>C (p.Glu1420Asp)

Genes: FANCA (FA complementation group A; minus strand), ZNF276 (zinc finger protein 276; plus strand). Cytogenetic location: 16q24.3.
Variant type: single nucleotide variant.
Coding change: c.4260G>C on transcript NM_000135.4 (MANE Select); coding-DNA position 4260, G replaced by C.
Protein change: p.Glu1420Asp; replaces glutamic acid 1420 with aspartic acid.
Molecular consequence: missense variant. On other transcripts: 3 prime UTR variant (2), non-coding transcript variant (4).
Genome position (GRCh38, 1-based): chr16:89,738,882, C>G on the plus strand (G>C on the coding strand, the complement: FANCA is on the minus strand). VCF-style: chr16-89738882-C-G. GRCh37 (hg19) VCF-style: chr16-89805290-C-G.
Other names: c.4264G>C, p.Ala1422Pro (NM_001286167.3); c.*636C>G (NM_001113525.2, NM_152287.4); short protein forms A1422P, E1420D.
Identifiers: ClinVar variation 1441452 (VCV001441452.6), dbSNP rs2151710661, ClinGen allele CA397483184.
Genomic context (GRCh38, chr16:89,738,882, plus strand): 5'-CCAGGCAGCTGTCAATTCTCATGTCCCCCACATGGCCCAAGGTGGGCATCTTGACGTTAC[C>G]TCTGCCACGTGTGAGAAGCTCTTTTTCGGGCACCGAGGTATTAACTGCAGCAGAAAAAGA-3'
Protein context (NP_000126.2, residues 1410-1430): CPKKSFSHVA[Glu1420Asp]LLADRGDCDP